The following is an entry in ClinVar:

ClinVar aggregate classification (germline): Uncertain significance (1 of 4 stars; one submission).

Submission:

Labcorp Genetics (formerly Invitae), Labcorp
Classification: Uncertain significance. Last evaluated: 2025-04-14. Review status: criteria provided, single submitter. Criteria: Invitae Variant Classification Sherloc (09022015). Collection method: clinical testing. Allele origin: germline.
Comment: This sequence change replaces threonine, which is neutral and polar, with isoleucine, which is neutral and non-polar, at codon 253 of the USH2A protein (p.Thr253Ile). This variant is not present in population databases (gnomAD no frequency). This variant has not been reported in the literature in individuals affected with USH2A-related conditions. ClinVar contains an entry for this variant (Variation ID: 2121918). Invitae Evidence Modeling of protein sequence and biophysical properties (such as structural, functional, and spatial information, amino acid conservation, physicochemical variation, residue mobility, and thermodynamic stability) indicates that this missense variant is not expected to disrupt USH2A protein function with a negative predictive value of 95%. In summary, the available evidence is currently insufficient to determine the role of this variant in disease. Therefore, it has been classified as a Variant of Uncertain Significance.

NM_206933.4(USH2A):c.758C>T (p.Thr253Ile)

Gene: USH2A (usherin; minus strand). Cytogenetic location: 1q41.
Variant type: single nucleotide variant.
Coding change: c.758C>T on transcript NM_206933.4 (MANE Select); coding-DNA position 758, C replaced by T.
Protein change: p.Thr253Ile; replaces threonine 253 with isoleucine.
Molecular consequence: missense variant.
Genome position (GRCh38, 1-based): chr1:216,364,979, G>A on the plus strand (C>T on the coding strand, the complement: USH2A is on the minus strand). VCF-style: chr1-216364979-G-A. GRCh37 (hg19) VCF-style: chr1-216538321-G-A.
Other names: c.758C>T, p.Thr253Ile (NM_007123.6); short protein forms T253I.
Identifiers: ClinVar variation 2121918 (VCV002121918.4), dbSNP rs2527531272, ClinGen allele CA344907667.